The following is an entry in ClinVar:

ClinVar aggregate classification (germline): Uncertain significance (1 of 4 stars; one submission).

Allele frequency attached by ClinVar (database versions not stated): gnomAD exomes below 0.00001.
gnomAD v4.1: 2 of 1,614,242 alleles (0.00012%); highest among the groups gnomAD compares: African/African-American, 0.0013%; no homozygotes.

Submission:

Labcorp Genetics (formerly Invitae), Labcorp
Classification: Uncertain significance. Last evaluated: 2022-07-06. Review status: criteria provided, single submitter. Criteria: Invitae Variant Classification Sherloc (09022015). Collection method: clinical testing. Allele origin: germline.
Comment: This sequence change replaces glutamine, which is neutral and polar, with histidine, which is basic and polar, at codon 11 of the ERCC6 protein (p.Gln11His). This variant is not present in population databases (gnomAD no frequency). This variant has not been reported in the literature in individuals affected with ERCC6-related conditions. ClinVar contains an entry for this variant (Variation ID: 1485722). Algorithms developed to predict the effect of missense changes on protein structure and function output the following: SIFT: "Tolerated"; PolyPhen-2: "Benign"; Align-GVGD: "Class C0". The histidine amino acid residue is found in multiple mammalian species, which suggests that this missense change does not adversely affect protein function. In summary, the available evidence is currently insufficient to determine the role of this variant in disease. Therefore, it has been classified as a Variant of Uncertain Significance.

NM_000124.4(ERCC6):c.33A>C (p.Gln11His)

Gene: ERCC6 (ERCC excision repair 6, chromatin remodeling factor; minus strand). Cytogenetic location: 10q11.23.
Variant type: single nucleotide variant.
Coding change: c.33A>C on transcript NM_000124.4 (MANE Select); coding-DNA position 33, A replaced by C.
Protein change: p.Gln11His; replaces glutamine 11 with histidine.
Molecular consequence: missense variant.
Genome position (GRCh38, 1-based): chr10:49,532,932, T>G on the plus strand (A>C on the coding strand, the complement: ERCC6 is on the minus strand). VCF-style: chr10-49532932-T-G. GRCh37 (hg19) VCF-style: chr10-50740978-T-G.
Other names: c.33A>C, p.Gln11His (NM_001277058.2, NM_001277059.2, NM_001346440.2); short protein forms Q11H.
Identifiers: ClinVar variation 1485722 (VCV001485722.6), dbSNP rs2132639996, ClinGen allele CA376715074.